The following is an entry in ClinVar:

NM_002643.4(PIGF):c.415C>T (p.Leu139=)

Gene: PIGF (phosphatidylinositol glycan anchor biosynthesis class F; minus strand). Cytogenetic location: 2p21.
Variant type: single nucleotide variant.
Coding change: c.415C>T on transcript NM_002643.4 (MANE Select); coding-DNA position 415, C replaced by T.
Protein change: p.Leu139=; no amino-acid change (leucine 139 retained).
Molecular consequence: synonymous variant.
Genome position (GRCh38, 1-based): chr2:46,612,250, G>A on the plus strand (C>T on the coding strand, the complement: PIGF is on the minus strand). VCF-style: chr2-46612250-G-A. GRCh37 (hg19) VCF-style: chr2-46839389-G-A.
Other names: c.415C>T, p.Leu139= (NM_173074.3).
Identifiers: ClinVar variation 3353967 (VCV003353967.1).
Genomic context (GRCh38, chr2:46,612,250, plus strand): 5'-TAATTTCAATATCATTATAATATAAAATTAAAACTTACCCATTTCTACTGAACACTCTTA[G>A]CCATGCTTTGAGGTTTGGTCCTAACAAACATAAGCAAGGCACAGTAGTAAAAGTAGACAA-3'
Protein context (NP_002634.1, residues 129-149): CLLGPNLKAW[Leu139=]RVFSRNGVTS

ClinVar aggregate classification (germline): Likely benign (0 of 4 stars; one submission).

Conditions:
PIGF-related condition.

gnomAD v4.1: 532 of 1,344,538 alleles (0.04%); highest among the groups gnomAD compares: Non-Finnish European, 0.05%; no homozygotes.

Submission:

PreventionGenetics, part of Exact Sciences
Classification: Likely benign for PIGF-related condition. Last evaluated: 2024-07-10. Review status: no assertion criteria provided. Collection method: clinical testing. Allele origin: germline.
Comment: This variant is classified as likely benign based on ACMG/AMP sequence variant interpretation guidelines (Richards et al. 2015 PMID: 25741868, with internal and published modifications).